The following is an entry in ClinVar:

ClinVar aggregate classification (germline): Uncertain significance (1 of 4 stars; one submission).

Conditions:
Charcot-Marie-Tooth Neuropathy X. Identifiers: MedGen CN118851.

Submission:

Labcorp Genetics (formerly Invitae), Labcorp
Classification: Uncertain significance for Charcot-Marie-Tooth Neuropathy X. Last evaluated: 2022-01-06. Review status: criteria provided, single submitter. Criteria: Invitae Variant Classification Sherloc (09022015). Collection method: clinical testing. Allele origin: germline.
Comment: This sequence change replaces isoleucine, which is neutral and non-polar, with valine, which is neutral and non-polar, at codon 137 of the GJB1 protein (p.Ile137Val). This variant is not present in population databases (gnomAD no frequency). This variant has not been reported in the literature in individuals affected with GJB1-related conditions. Algorithms developed to predict the effect of missense changes on protein structure and function (SIFT, PolyPhen-2, Align-GVGD) all suggest that this variant is likely to be tolerated. In summary, the available evidence is currently insufficient to determine the role of this variant in disease. Therefore, it has been classified as a Variant of Uncertain Significance.

NM_000166.6(GJB1):c.409A>G (p.Ile137Val)

Gene: GJB1 (gap junction protein beta 1; plus strand). Cytogenetic location: Xq13.1.
Variant type: single nucleotide variant.
Coding change: c.409A>G on transcript NM_000166.6 (MANE Select); coding-DNA position 409, A replaced by G.
Protein change: p.Ile137Val; replaces isoleucine 137 with valine.
Molecular consequence: missense variant.
Genome position (GRCh38, 1-based): chrX:71,224,116, A>G. VCF-style: chrX-71224116-A-G. GRCh37 (hg19) VCF-style: chrX-70443966-A-G.
Other names: c.409A>G, p.Ile137Val (NM_001097642.3); short protein forms I137V.
Identifiers: ClinVar variation 2048735 (VCV002048735.4), dbSNP rs2519798476, ClinGen allele CA413502262.
Genomic context (GRCh38, chrX:71,224,116, plus strand): 5'-CTGGAGGAGGTGAAGAGGCACAAGGTCCACATCTCAGGGACACTGTGGTGGACCTATGTC[A>G]TCAGCGTGGTGTTCCGGCTGTTGTTTGAGGCCGTCTTCATGTATGTCTTTTATCTGCTCT-3'
Protein context (NP_000157.1, residues 127-147): ISGTLWWTYV[Ile137Val]SVVFRLLFEA